The following is an entry in ClinVar:

NM_199420.4(POLQ):c.2576T>C (p.Met859Thr)

Gene: POLQ (DNA polymerase theta; minus strand). Cytogenetic location: 3q13.33.
Variant type: single nucleotide variant.
Coding change: c.2576T>C on transcript NM_199420.4 (MANE Select); coding-DNA position 2576, T replaced by C.
Protein change: p.Met859Thr; replaces methionine 859 with threonine.
Molecular consequence: missense variant.
Genome position (GRCh38, 1-based): chr3:121,490,355, A>G on the plus strand (T>C on the coding strand, the complement: POLQ is on the minus strand). VCF-style: chr3-121490355-A-G. GRCh37 (hg19) VCF-style: chr3-121209202-A-G.
Other names: short protein forms M859T.
Identifiers: ClinVar variation 1793313 (VCV001793313.2), dbSNP rs2546788512, ClinGen allele CA354105819.

ClinVar aggregate classification (germline): Uncertain significance (1 of 4 stars; one submission).

Allele frequency attached by ClinVar (database versions not stated): gnomAD exomes 0.00002.
gnomAD v4.1: 14 of 1,614,240 alleles (0.00087%); highest among the groups gnomAD compares: Non-Finnish European, 0.0012%; no homozygotes.

Submission:

Ambry Genetics
Classification: Uncertain significance. Last evaluated: 2024-01-07. Review status: criteria provided, single submitter. Criteria: Ambry Variant Classification Scheme 2023. Collection method: clinical testing. Allele origin: germline.
Comment: The p.M859T variant (also known as c.2576T>C), located in coding exon 16 of the POLQ gene, results from a T to C substitution at nucleotide position 2576. The methionine at codon 859 is replaced by threonine, an amino acid with similar properties. This amino acid position is conserved. In addition, this alteration is predicted to be tolerated by in silico analysis. Since supporting evidence is limited at this time, the clinical significance of this alteration remains unclear.